The following is an entry in ClinVar:

NM_001386795.1(DTNA):c.1325T>C (p.Met442Thr)

Gene: DTNA (dystrobrevin alpha; plus strand). Cytogenetic location: 18q12.1.
Variant type: single nucleotide variant.
Coding change: c.1325T>C on transcript NM_001386795.1 (MANE Select); coding-DNA position 1325, T replaced by C.
Protein change: p.Met442Thr; replaces methionine 442 with threonine.
Molecular consequence: missense variant. On other transcripts: intron variant (33).
Genome position (GRCh38, 1-based): chr18:34,838,816, T>C. VCF-style: chr18-34838816-T-C. GRCh37 (hg19) VCF-style: chr18-32418780-T-C.
Other names: c.371T>C, p.Met124Thr (NM_001198942.1); c.1325T>C, p.Met442Thr (NM_001386788.1); c.1244T>C, p.Met415Thr (NM_001390.5, NM_001391.5); c.1235T>C, p.Met412Thr (NM_032978.7); c.1095-9480T>C (NM_032975.4, NM_001386761.1, NM_001386762.1 and 1 more transcripts); c.1175+9327T>C (NM_001386754.1, NM_001386755.1, NM_001386760.1 and 5 more transcripts); c.1086-9480T>C (NM_001386763.1, NM_001386764.1, NM_001386768.1 and 13 more transcripts); c.604-13015T>C (NM_001198945.2); and 4 more; short protein forms M412T, M415T, M124T, M442T.
Identifiers: ClinVar variation 392261 (VCV000392261.2), dbSNP rs1057524416, ClinGen allele CA16608740.

ClinVar aggregate classification (germline): Uncertain significance (1 of 4 stars; one submission).

Allele frequency attached by ClinVar (database versions not stated): gnomAD exomes 0.00001.
gnomAD v4.1: 3 of 1,613,774 alleles (0.00019%); highest among the groups gnomAD compares: Non-Finnish European, 0.00025%; no homozygotes.

Submission:

GeneDx
Classification: Uncertain significance. Last evaluated: 2016-12-29. Review status: criteria provided, single submitter. Criteria: GeneDx Variant Classification (06012015). Collection method: clinical testing. Allele origin: germline. Affected: yes.
Comment: A variant of uncertain significance has been identified in the DTNA gene. The M415T variant has not been published as a pathogenic variant, nor has it been reported as a benign variant to our knowledge. This variant was not observed in approximately 6,500 individuals of European and African American ancestry in the NHLBI Exome Sequencing Project, indicating it is not a common benign variant in these population. The M415T variant is a non-conservative amino acid substitution, which is likely to impact secondary protein structure as these residues differ in polarity, charge, size and/or other properties. However, this substitution occurs at a position where amino acids with similar properties to Methionine are tolerated across species. In silico analysis is inconsistent in its predictions as to whether or not the variant is damaging to the protein structure/function. Therefore, based on the currently available information, it is unclear whether this variant is pathogenic or rare benign. This result cannot be interpreted for diagnosis or used for family member screening at this time.